The following is an entry in ClinVar:

NM_001025603.2(RFX5):c.1252G>A (p.Gly418Ser)

Gene: RFX5 (regulatory factor X5; minus strand). Cytogenetic location: 1q21.3.
Variant type: single nucleotide variant.
Coding change: c.1252G>A on transcript NM_001025603.2 (MANE Select); coding-DNA position 1252, G replaced by A.
Protein change: p.Gly418Ser; replaces glycine 418 with serine.
Molecular consequence: missense variant.
Genome position (GRCh38, 1-based): chr1:151,342,785, C>T on the plus strand (G>A on the coding strand, the complement: RFX5 is on the minus strand). VCF-style: chr1-151342785-C-T. GRCh37 (hg19) VCF-style: chr1-151315261-C-T.
Other names: c.1252G>A (NM_000449.3); c.1252G>A, p.Gly418Ser (NM_000449.4, NM_001379412.1, NM_001379413.1 and 5 more transcripts); c.1132G>A, p.Gly378Ser (NM_001379419.1, NM_001379420.1); short protein forms G418S, G378S.
Identifiers: ClinVar variation 1389862 (VCV001389862.6), dbSNP rs150702096, ClinGen allele CA29558314.

ClinVar aggregate classification (germline): Uncertain significance. Review status: criteria provided, multiple submitters, no conflicts (2 of 4 stars). 2 submissions from 2 submitters: Uncertain significance (2). Last evaluated 2025-07-15.

Conditions:
MHC class II deficiency. Also called: BLS, TYPE II; Bare lymphocyte syndrome 2. Identifiers: Orphanet 572, MedGen C5447452, MONDO:0008855.

Allele frequency attached by ClinVar (database versions not stated): gnomAD 0.00001; gnomAD exomes 0.00001 and 0.00003; TOPMed 0.00003; ESP Exome Variant Server 0.00008.
gnomAD v4.1: 40 of 1,614,062 alleles (0.0025%); highest among the groups gnomAD compares: Non-Finnish European, 0.0034%; no homozygotes.

Submissions (2):

Ambry Genetics
Classification: Uncertain significance. Last evaluated: 2025-07-15. Review status: criteria provided, single submitter. Criteria: Ambry Variant Classification Scheme 2023. Collection method: clinical testing. Allele origin: germline.

Labcorp Genetics (formerly Invitae), Labcorp
Classification: Uncertain significance for MHC class II deficiency. Last evaluated: 2021-09-01. Review status: criteria provided, single submitter. Criteria: Invitae Variant Classification Sherloc (09022015). Collection method: clinical testing. Allele origin: germline.
Comment: This sequence change replaces glycine with serine at codon 418 of the RFX5 protein (p.Gly418Ser). The glycine residue is weakly conserved and there is a small physicochemical difference between glycine and serine. This variant is not present in population databases (ExAC no frequency). This variant has not been reported in the literature in individuals affected with RFX5-related conditions. Algorithms developed to predict the effect of missense changes on protein structure and function output the following: SIFT: "Tolerated"; PolyPhen-2: "Benign"; Align-GVGD: "Class C0". The serine amino acid residue is found in multiple mammalian species, which suggests that this missense change does not adversely affect protein function. In summary, the available evidence is currently insufficient to determine the role of this variant in disease. Therefore, it has been classified as a Variant of Uncertain Significance.